The following is an entry in ClinVar:

NM_032387.5(WNK4):c.3032C>G (p.Pro1011Arg)

Gene: WNK4 (WNK lysine deficient protein kinase 4; plus strand). Cytogenetic location: 17q21.2.
Variant type: single nucleotide variant.
Coding change: c.3032C>G on transcript NM_032387.5 (MANE Select); coding-DNA position 3032, C replaced by G.
Protein change: p.Pro1011Arg; replaces proline 1011 with arginine.
Molecular consequence: missense variant.
Genome position (GRCh38, 1-based): chr17:42,795,634, C>G. VCF-style: chr17-42795634-C-G. GRCh37 (hg19) VCF-style: chr17-40947652-C-G.
Other names: p.Pro1011Arg; c.2024C>G, p.Pro675Arg (NM_001321299.2); short protein forms P675R, P1011R.
Identifiers: ClinVar variation 727141 (VCV000727141.15), dbSNP rs61755628, ClinGen allele CA8584513.

ClinVar aggregate classification (germline): Benign/Likely benign. Review status: criteria provided, multiple submitters, no conflicts (2 of 4 stars). 5 submissions from 5 submitters: Benign (1); Likely benign (3). 1 of the submissions does not count toward it. Last evaluated 2025-12-05.

Conditions:
Pseudohypoaldosteronism type 2B (PHA2B). Also called: Pseudohypoaldosteronism Type IIB. Identifiers: Orphanet 757, Orphanet 88939, MedGen C1840390, MONDO:0013777, OMIM 614491.
WNK4-related disorder. Also called: WNK4-related condition.

Allele frequency attached by ClinVar (database versions not stated): TOPMed 0.00066; ESP Exome Variant Server 0.00069; 1000 Genomes Project 0.00080; 1000 Genomes Project 30x 0.00109.
gnomAD v4.1: 141 of 1,613,798 alleles (0.0087%); highest among the groups gnomAD compares: African/African-American, 0.19%; no homozygotes.

Submissions (5):

Mayo Clinic Laboratories, Mayo Clinic
Classification: Likely benign. Last evaluated: 2025-12-05. Review status: criteria provided, single submitter. Criteria: ACMG Guidelines, 2015. Collection method: clinical testing. Allele origin: germline. Observed: 1 variant allele.
Comment: BS1

Labcorp Genetics (formerly Invitae), Labcorp
Classification: Likely benign. Last evaluated: 2025-06-12. Review status: criteria provided, single submitter. Criteria: Invitae Variant Classification Sherloc (09022015). Collection method: clinical testing. Allele origin: germline.

Women's Health and Genetics/Laboratory Corporation of America, LabCorp
Classification: Likely benign. Last evaluated: 2024-03-27. Review status: criteria provided, single submitter. Criteria: LabCorp Variant Classification Summary - May 2015. Collection method: clinical testing. Allele origin: germline.
Comment: Variant summary: WNK4 c.3032C>G (p.Pro1011Arg) results in a non-conservative amino acid change in the encoded protein sequence. Four of five in-silico tools predict a damaging effect of the variant on protein function. The variant allele was found at a frequency of 0.00011 in 251020 control chromosomes, predominantly at a frequency of 0.0016 within the African or African-American subpopulation in the gnomAD database. To our knowledge, no occurrence of c.3032C>G in individuals affected with Pseudohypoaldosteronism Type 2B and no experimental evidence demonstrating its impact on protein function have been reported. ClinVar contains an entry for this variant (Variation ID: 727141). Based on the evidence outlined above, the variant was classified as likely benign.

Illumina Laboratory Services, Illumina
Classification: Benign for Pseudohypoaldosteronism type 2B. Last evaluated: 2018-01-12. Review status: criteria provided, single submitter. Criteria: ICSL Variant Classification Criteria 13 December 2019. Collection method: clinical testing. Allele origin: germline.
Comment: This variant was observed in the ICSL laboratory as part of a predisposition screen in an ostensibly healthy population. It had not been previously curated by ICSL or reported in the Human Gene Mutation Database (HGMD: prior to June 1st, 2018), and was therefore a candidate for classification through an automated scoring system. Utilizing variant allele frequency, disease prevalence and penetrance estimates, and inheritance mode, an automated score was calculated to assess if this variant is too frequent to cause the disease. Based on the score and internal cut-off values, a variant classified as benign is not then subjected to further curation. The score for this variant resulted in a classification of benign for this disease.

PreventionGenetics, part of Exact Sciences
Classification: Likely benign for WNK4-related condition. Last evaluated: 2022-03-02. Review status: no assertion criteria provided. Collection method: clinical testing. Allele origin: germline. Not counted in ClinVar's aggregate classification.
Comment: This variant is classified as likely benign based on ACMG/AMP sequence variant interpretation guidelines (Richards et al. 2015 PMID: 25741868, with internal and published modifications).